The following is an entry in ClinVar:

ClinVar aggregate classification (germline): Uncertain significance (1 of 4 stars; one submission).

Submission:

Ambry Genetics
Classification: Uncertain significance. Last evaluated: 2024-07-11. Review status: criteria provided, single submitter. Criteria: Ambry Variant Classification Scheme 2023. Collection method: clinical testing. Allele origin: germline.
Comment: The p.A77T variant (also known as c.229G>A), located in coding exon 1 of the GALNT12 gene, results from a G to A substitution at nucleotide position 229. The alanine at codon 77 is replaced by threonine, an amino acid with similar properties. This amino acid position is not well conserved in available vertebrate species. In addition, this alteration is predicted to be tolerated by in silico analysis. Since supporting evidence is limited at this time, the clinical significance of this alteration remains unclear.

NM_024642.5(GALNT12):c.229G>A (p.Ala77Thr)

Gene: GALNT12 (polypeptide N-acetylgalactosaminyltransferase 12; plus strand). Cytogenetic location: 9q22.33.
Variant type: single nucleotide variant.
Coding change: c.229G>A on transcript NM_024642.5 (MANE Select); coding-DNA position 229, G replaced by A.
Protein change: p.Ala77Thr; replaces alanine 77 with threonine.
Molecular consequence: missense variant.
Genome position (GRCh38, 1-based): chr9:98,807,927, G>A. VCF-style: chr9-98807927-G-A. GRCh37 (hg19) VCF-style: chr9-101570209-G-A.
Other names: short protein forms A77T.
Identifiers: ClinVar variation 1789233 (VCV001789233.3), dbSNP rs2490455803, ClinGen allele CA374222565.